The following is an entry in ClinVar:

ClinVar aggregate classification (germline): Likely benign (0 of 4 stars; one submission).

Conditions:
PDGFB-related disorder. Also called: PDGFB-related condition.

gnomAD v4.1: 10 of 1,613,722 alleles (0.00062%); highest among the groups gnomAD compares: South Asian, 0.0011%; no homozygotes.

Submission:

PreventionGenetics, part of Exact Sciences
Classification: Likely benign for PDGFB-related condition. Last evaluated: 2019-06-12. Review status: no assertion criteria provided. Collection method: clinical testing. Allele origin: germline.
Comment: This variant is classified as likely benign based on ACMG/AMP sequence variant interpretation guidelines (Richards et al. 2015 PMID: 25741868, with internal and published modifications).

NM_002608.4(PDGFB):c.468C>T (p.Ile156=)

Gene: PDGFB (platelet derived growth factor subunit B; minus strand). Cytogenetic location: 22q13.1.
Variant type: single nucleotide variant.
Coding change: c.468C>T on transcript NM_002608.4 (MANE Select); coding-DNA position 468, C replaced by T.
Protein change: p.Ile156=; no amino-acid change (isoleucine 156 retained).
Molecular consequence: synonymous variant.
Genome position (GRCh38, 1-based): chr22:39,230,217, G>A on the plus strand (C>T on the coding strand, the complement: PDGFB is on the minus strand). VCF-style: chr22-39230217-G-A. GRCh37 (hg19) VCF-style: chr22-39626222-G-A.
Other names: c.423C>T, p.Ile141= (NM_033016.3).
Identifiers: ClinVar variation 3034328 (VCV003034328.2), dbSNP rs774559047, ClinGen allele CA10240093.